The following is an entry in ClinVar:

ClinVar aggregate classification (germline): not provided (0 of 4 stars; one submission).

Allele frequency attached by ClinVar (database versions not stated): 1000 Genomes Project 0.00040; 1000 Genomes Project 30x 0.00047; TOPMed 0.00078; gnomAD 0.00083 and 0.00086; gnomAD exomes 0.00095.
gnomAD v4.1: 576 of 603,630 alleles (0.095%); highest among the groups gnomAD compares: Middle Eastern, 0.4%; 4 homozygotes.

Submission:

Human Evolutionary Genetics, Institut Pasteur
No classification provided. Review status: no classification provided. Collection method: not provided. Allele origin: germline.
ClinVar note: Converted during submission from untested to not provided.

NM_001384950.1(NLRC5):c.2940-161G>A

Gene: NLRC5 (NLR family CARD domain containing 5; plus strand). Cytogenetic location: 16q13.
Variant type: single nucleotide variant.
Coding change: c.2940-161G>A on transcript NM_001384950.1 (MANE Select); 161 bases into the intron before coding-DNA position 2940, G replaced by A.
Molecular consequence: intron variant.
Genome position (GRCh38, 1-based): chr16:57,041,324, G>A. VCF-style: chr16-57041324-G-A. GRCh37 (hg19) VCF-style: chr16-57075236-G-A.
Other names: c.2940-161G>A (NM_001384954.1, NM_001384953.1, NM_001384957.1 and 19 more transcripts); c.2856-161G>A (NM_001384960.1, NM_001384965.1); c.2700-161G>A (NM_001384972.1).
Identifiers: ClinVar variation 103169 (VCV000103169.2), dbSNP rs199475988, ClinGen allele CA230214.